The following is an entry in ClinVar:

NM_004260.4(RECQL4):c.2795A>G (p.His932Arg)

Gene: RECQL4 (RecQ like helicase 4; minus strand). Cytogenetic location: 8q24.3.
Variant type: single nucleotide variant.
Coding change: c.2795A>G on transcript NM_004260.4 (MANE Select); coding-DNA position 2795, A replaced by G.
Protein change: p.His932Arg; replaces histidine 932 with arginine.
Molecular consequence: missense variant.
Genome position (GRCh38, 1-based): chr8:144,512,732, T>C on the plus strand (A>G on the coding strand, the complement: RECQL4 is on the minus strand). VCF-style: chr8-144512732-T-C. GRCh37 (hg19) VCF-style: chr8-145738115-T-C.
Other names: c.2501A>G, p.His834Arg (NM_001413017.1); c.2597A>G, p.His866Arg (NM_001413018.1); c.2870A>G, p.His957Arg (NM_001413019.1); c.2699A>G, p.His900Arg (NM_001413020.1); c.1724A>G, p.His575Arg (NM_001413021.1, NM_001413022.1, NM_001413024.1 and 4 more transcripts); c.1799A>G, p.His600Arg (NM_001413023.1); c.2666A>G, p.His889Arg (NM_001413025.1); c.1658A>G, p.His553Arg (NM_001413027.1, NM_001413030.1, NM_001413032.1); and 9 more; short protein forms H443R, H509R, H531R, H578R, H600R, H815R, H889R, H922R.
Identifiers: ClinVar variation 1975823 (VCV001975823.5), dbSNP rs779994678, ClinGen allele CA4948071.
Genomic context (GRCh38, chr8:144,512,732, plus strand): 5'-CCCCCAGGGCAGTTCAGACGGCAATGGGTATAGGTGGTCGCCAGCAGCTCCAGCCAGTGG[T>C]GTGGGTGCAGCTCCAGGTAGCACAGCAAAGTCTCGATGGCTGGGGGCAGAGCAGGGCTCA-3'
Protein context (NP_004251.4, residues 922-942): TLLCYLELHP[His932Arg]HWLELLATTY

ClinVar aggregate classification (germline): Uncertain significance (1 of 4 stars; one submission).

Conditions:
Baller-Gerold syndrome (BGS). Also called: CRANIOSYNOSTOSIS WITH RADIAL DEFECTS. Identifiers: Orphanet 1225, MedGen C0265308, MONDO:0009039, OMIM 218600.

Allele frequency attached by ClinVar (database versions not stated): gnomAD exomes below 0.00001; ExAC 0.00001.
gnomAD v4.1: 2 of 1,612,104 alleles (0.00012%); highest among the groups gnomAD compares: East Asian, 0.0022%; no homozygotes.

Submission:

Labcorp Genetics (formerly Invitae), Labcorp
Classification: Uncertain significance for Baller-Gerold syndrome. Last evaluated: 2022-03-05. Review status: criteria provided, single submitter. Criteria: Invitae Variant Classification Sherloc (09022015). Collection method: clinical testing. Allele origin: germline.
Comment: In summary, the available evidence is currently insufficient to determine the role of this variant in disease. Therefore, it has been classified as a Variant of Uncertain Significance. Experimental studies and prediction algorithms are not available or were not evaluated, and the functional significance of this variant is currently unknown. This variant has not been reported in the literature in individuals affected with RECQL4-related conditions. This variant is present in population databases (rs779994678, gnomAD 0.006%). This sequence change replaces histidine, which is basic and polar, with arginine, which is basic and polar, at codon 932 of the RECQL4 protein (p.His932Arg).